The following is an entry in ClinVar:

ClinVar aggregate classification (germline): Pathogenic (1 of 4 stars; one submission).

Conditions:
Hereditary cancer-predisposing syndrome. Also called: Neoplastic Syndromes, Hereditary; Tumor predisposition; Hereditary Cancer Syndrome; Hereditary neoplastic syndrome. Identifiers: Orphanet 140162, MedGen C0027672, MeSH D009386, MONDO:0015356.

Submission:

Ambry Genetics
Classification: Pathogenic for Hereditary cancer-predisposing syndrome. Last evaluated: 2026-01-07. Review status: criteria provided, single submitter. Criteria: Ambry Variant Classification Scheme 2023. Collection method: clinical testing. Allele origin: germline.
Comment: The c.1240dupG pathogenic mutation, located in coding exon 11 of the PMS2 gene, results from a duplication of G at nucleotide position 1240, causing a translational frameshift with a predicted alternate stop codon (p.D414Gfs*44). This variant is considered to be rare based on population cohorts in the Genome Aggregation Database (gnomAD). This alteration is expected to result in loss of function by premature protein truncation or nonsense-mediated mRNA decay. As such, this alteration is interpreted as a disease-causing mutation.

NM_000535.7(PMS2):c.1240dup (p.Asp414fs)

Gene: PMS2 (PMS1 homolog 2, mismatch repair system component; minus strand). Cytogenetic location: 7p22.1.
Variant type: Duplication.
Coding change: c.1240dup on transcript NM_000535.7 (MANE Select); coding-DNA position 1240, one base duplicated (G; older notation c.1240dupG).
Protein change: p.Asp414fs; shifts the reading frame from aspartic acid 414.
Molecular consequence: frameshift variant. On other transcripts: non-coding transcript variant (1), intron variant (1).
Genome position (GRCh38, 1-based): chr7:5,987,525, C duplicated on the plus strand (G on the coding strand, the reverse complement: PMS2 is on the minus strand). VCF-style (leftmost placement, unchanged base first): chr7-5987524-T-TC. GRCh37 (hg19) VCF-style: chr7-6027155-T-TC.
Other names: c.835dup, p.Asp279fs (NM_001406910.1, NM_001406908.1, NM_001406887.1 and 16 more transcripts); c.469dup, p.Asp157fs (NM_001406911.1); c.804-4534dup (NM_001406912.1); c.679dup, p.Asp227fs (NM_001406906.1, NM_001406907.1, NM_001322010.2); c.667dup, p.Asp223fs (NM_001406909.1, NM_001322013.2); c.1240dupG (NM_000535.5); c.307dup, p.Asp103fs (NM_001322012.2, NM_001322011.2); c.1240dup, p.Asp414fs (NM_001322014.2, NM_001406871.1, NM_001406872.1); and 14 more; short protein forms D103fs, D157fs, D259fs, D378fs, D414fs, D476fs, D292fs, D308fs.
Identifiers: ClinVar variation 4842992 (VCV004842992.1).